The following is an entry in ClinVar:

NM_001127511.3(APC):c.-131G>C

Gene: APC (APC regulator of Wnt signaling pathway; plus strand). Cytogenetic location: 5q22.2.
Variant type: single nucleotide variant.
Coding change: c.-131G>C on transcript NM_001127511.3; 131 bases upstream of the start codon, G replaced by C.
Molecular consequence: 5 prime UTR variant. On other transcripts: non-coding transcript variant (2).
Genome position (GRCh38, 1-based): chr5:112,707,587, G>C. VCF-style: chr5-112707587-G-C. GRCh37 (hg19) VCF-style: chr5-112043284-G-C.
Other names: c.-314G>C (NM_001354895.2, NM_001407469.1, NM_001407447.1 and 3 more transcripts); c.-131G>C (NM_001354897.2, NM_001354902.2, NM_001407446.1); c.-1349G>C (NM_001407470.1, NM_001407472.1); c.-81G>C (NM_001407448.1, NM_001407450.1, NM_001407457.1 and 1 more transcripts); c.-105G>C (NM_001407453.1).
Identifiers: ClinVar variation 469832 (VCV000469832.16), dbSNP rs572582235, ClinGen allele CA124924962.

ClinVar aggregate classification (germline): Likely benign. Review status: criteria provided, multiple submitters, no conflicts (2 of 4 stars). 3 submissions from 3 submitters: Likely benign (2). 1 of the submissions does not count toward it. Last evaluated 2026-02-03.

Conditions:
APC-related disorder. Also called: APC-related condition.
Familial adenomatous polyposis 1 (FAP1). Also called: FAMILIAL ADENOMATOUS POLYPOSIS 1, ATTENUATED; POLYPOSIS, ADENOMATOUS INTESTINAL. Identifiers: MedGen C2713442, MONDO:0021056, OMIM 175100. Disease mechanism: loss of function.

Allele frequency attached by ClinVar (database versions not stated): 1000 Genomes Project 30x 0.00047; TOPMed 0.00023.
gnomAD v4.1: 289 of 997,896 alleles (0.029%); highest among the groups gnomAD compares: Non-Finnish European, 0.032%; no homozygotes.

Submissions (3):

Labcorp Genetics (formerly Invitae), Labcorp
Classification: Likely benign for Familial adenomatous polyposis 1. Last evaluated: 2026-02-03. Review status: criteria provided, single submitter. Criteria: Invitae Variant Classification Sherloc (09022015). Collection method: clinical testing. Allele origin: germline.

Center for Genomic Medicine, Rigshospitalet, Copenhagen University Hospital
Classification: Likely benign. Last evaluated: 2025-03-04. Review status: criteria provided, single submitter. Criteria: ACMG Guidelines, 2015. Collection method: clinical testing. Allele origin: germline.
Comment: Classification criteria: BS1

PreventionGenetics, part of Exact Sciences
Classification: Likely benign for APC-related condition. Last evaluated: 2019-05-15. Review status: no assertion criteria provided. Collection method: clinical testing. Allele origin: germline. Not counted in ClinVar's aggregate classification.
Comment: This variant is classified as likely benign based on ACMG/AMP sequence variant interpretation guidelines (Richards et al. 2015 PMID: 25741868, with internal and published modifications).

Literature cited by the submitters: PubMed 27087319 (cited by Center for Genomic Medicine, Rigshospitalet, Copenhagen University Hospital).